The following is an entry in ClinVar:

ClinVar aggregate classification (germline): Uncertain significance (1 of 4 stars; one submission).

Conditions:
Cardiac anomalies - developmental delay - facial dysmorphism syndrome (MRFACD). Also called: MED13L Syndrome; Impaired intellectual development and distinctive facial features with or without cardiac defects. Identifiers: Orphanet 369891, MedGen C5192431, MONDO:0014773, OMIM 616789.

gnomAD v4.1: 1 of 1,613,922 alleles (0.000062%); highest among the groups gnomAD compares: Non-Finnish European, 0.000085%; no homozygotes.

Submission:

Baylor Genetics
Classification: Uncertain significance for Cardiac anomalies - developmental delay - facial dysmorphism syndrome. Last evaluated: 2020-06-08. Review status: criteria provided, single submitter. Criteria: ACMG Guidelines, 2015. Collection method: clinical testing. Allele origin: unknown. Affected: yes.
Comment: This variant was determined to be of uncertain significance according to ACMG Guidelines, 2015 [PMID:25741868].

NM_015335.5(MED13L):c.443G>A (p.Arg148Gln)

Gene: MED13L (mediator complex subunit 13L; minus strand). Cytogenetic location: 12q24.21.
Variant type: single nucleotide variant.
Coding change: c.443G>A on transcript NM_015335.5 (MANE Select); coding-DNA position 443, G replaced by A.
Protein change: p.Arg148Gln; replaces arginine 148 with glutamine.
Molecular consequence: missense variant.
Genome position (GRCh38, 1-based): chr12:116,096,705, C>T on the plus strand (G>A on the coding strand, the complement: MED13L is on the minus strand). VCF-style: chr12-116096705-C-T. GRCh37 (hg19) VCF-style: chr12-116534510-C-T.
Other names: short protein forms R148Q.
Identifiers: ClinVar variation 1030492 (VCV001030492.1), dbSNP rs1461395322, ClinGen allele CA386926851.